The following is an entry in ClinVar:

ClinVar aggregate classification (germline): Uncertain significance (1 of 4 stars; one submission).

Conditions:
Hereditary cancer-predisposing syndrome. Also called: Hereditary Cancer Syndrome; Hereditary neoplastic syndrome; Neoplastic Syndromes, Hereditary; Tumor predisposition. Identifiers: Orphanet 140162, MedGen C0027672, MeSH D009386, MONDO:0015356.

Submission:

Ambry Genetics
Classification: Uncertain significance for Hereditary cancer-predisposing syndrome. Last evaluated: 2021-09-11. Review status: criteria provided, single submitter. Criteria: Ambry Variant Classification Scheme 2023. Collection method: clinical testing. Allele origin: germline.
Comment: The p.F3159C variant (also known as c.9476T>G), located in coding exon 24 of the BRCA2 gene, results from a T to G substitution at nucleotide position 9476. The phenylalanine at codon 3159 is replaced by cysteine, an amino acid with highly dissimilar properties. This amino acid position is conserved. In addition, the in silico prediction for this alteration is inconclusive. Since supporting evidence is limited at this time, the clinical significance of this alteration remains unclear.

NM_000059.4(BRCA2):c.9476T>G (p.Phe3159Cys)

Gene: BRCA2 (BRCA2 DNA repair associated; plus strand). Cytogenetic location: 13q13.1.
Variant type: single nucleotide variant.
Coding change: c.9476T>G on transcript NM_000059.4 (MANE Select); coding-DNA position 9476, T replaced by G.
Protein change: p.Phe3159Cys; replaces phenylalanine 3159 with cysteine.
Molecular consequence: missense variant.
Genome position (GRCh38, 1-based): chr13:32,394,908, T>G. VCF-style: chr13-32394908-T-G. GRCh37 (hg19) VCF-style: chr13-32969045-T-G.
Other names: c.9380T>G, p.Phe3127Cys (NM_001406719.1); c.9425T>G, p.Phe3142Cys (NM_001406720.1); c.4544T>G, p.Phe1515Cys (NM_001406721.1); c.3059T>G, p.Phe1020Cys (NM_001406722.1); short protein forms F1020C, F1515C, F3142C, F3159C, F3127C.
Identifiers: ClinVar variation 1767080 (VCV001767080.2), dbSNP rs2073025259, ClinGen allele CA387761782.